The following is an entry in ClinVar:

ClinVar aggregate classification (germline): Pathogenic (1 of 4 stars; one submission).

Conditions:
Autosomal recessive limb-girdle muscular dystrophy type 2C (LGMDR5). Also called: MUSCULAR DYSTROPHY, DUCHENNE-LIKE; MUSCULAR DYSTROPHY, LIMB-GIRDLE, AUTOSOMAL RECESSIVE 5. Identifiers: Orphanet 353, MedGen C0410173, MONDO:0009677, OMIM 253700. Disease mechanism: Affects gamma-sarcoglycan and also disrupts the integrity of the entire sarcoglycan complex..

Submission:

Labcorp Genetics (formerly Invitae), Labcorp
Classification: Pathogenic for Autosomal recessive limb-girdle muscular dystrophy type 2C. Last evaluated: 2019-05-31. Review status: criteria provided, single submitter. Criteria: Invitae Variant Classification Sherloc (09022015). Collection method: clinical testing. Allele origin: germline.
Comment: For these reasons, this variant has been classified as Pathogenic. Loss-of-function variants in SGCG are known to be pathogenic (PMID: 18285821). This variant has not been reported in the literature in individuals with SGCG-related conditions. This variant is not present in population databases (ExAC no frequency). This sequence change creates a premature translational stop signal (p.Lys217*) in the SGCG gene. It is expected to result in an absent or disrupted protein product.

Literature cited by the submitters: PubMed 18285821.

NM_000231.3(SGCG):c.649A>T (p.Lys217Ter)

Gene: SGCG (sarcoglycan gamma; plus strand). Cytogenetic location: 13q12.12.
Variant type: single nucleotide variant.
Coding change: c.649A>T on transcript NM_000231.3 (MANE Select); coding-DNA position 649, A replaced by T.
Protein change: p.Lys217Ter; replaces lysine 217 with a stop codon.
Molecular consequence: nonsense.
Genome position (GRCh38, 1-based): chr13:23,320,707, A>T. VCF-style: chr13-23320707-A-T. GRCh37 (hg19) VCF-style: chr13-23894846-A-T.
Other names: c.703A>T, p.Lys235Ter (NM_001378244.1); c.649A>T, p.Lys217Ter (NM_001378245.1, NM_001378246.1); short protein forms K217*, K235*.
Identifiers: ClinVar variation 839948 (VCV000839948.8), dbSNP rs1325816562, ClinGen allele CA387502742.